The following is an entry in ClinVar:

NM_173495.3(PTCHD1):c.546C>T (p.Asp182=)

Gene: PTCHD1 (patched domain containing 1; plus strand). Cytogenetic location: Xp22.11.
Variant type: single nucleotide variant.
Coding change: c.546C>T on transcript NM_173495.3 (MANE Select); coding-DNA position 546, C replaced by T.
Protein change: p.Asp182=; no amino-acid change (aspartic acid 182 retained).
Molecular consequence: synonymous variant.
Genome position (GRCh38, 1-based): chrX:23,379,785, C>T. VCF-style: chrX-23379785-C-T. GRCh37 (hg19) VCF-style: chrX-23397902-C-T.
Identifiers: ClinVar variation 3234217 (VCV003234217.20), dbSNP rs758901997, ClinGen allele CA10369044.

ClinVar aggregate classification (germline): Likely benign (1 of 4 stars; one submission).

Allele frequency attached by ClinVar (database versions not stated): ExAC 0.00003; gnomAD 0.00003; gnomAD exomes 0.00003; TOPMed 0.00003.
gnomAD v4.1: 37 of 1,209,154 alleles (0.0031%); highest among the groups gnomAD compares: East Asian, 0.068%; no homozygotes.

Submission:

CeGaT Center for Human Genetics Tuebingen
Classification: Likely benign. Last evaluated: 2024-04-01. Review status: criteria provided, single submitter. Criteria: CeGaT Center For Human Genetics Tuebingen Variant Classification Criteria Version 2. Collection method: clinical testing. Allele origin: germline. Affected: yes. Observed: 1 variant allele.
Comment: PTCHD1: BP4, BP7, BS2